The following is an entry in ClinVar:

ClinVar aggregate classification (germline): Uncertain significance (1 of 4 stars; one submission).

Conditions:
Familial adenomatous polyposis 1 (FAP1). Also called: FAMILIAL ADENOMATOUS POLYPOSIS 1, ATTENUATED; POLYPOSIS, ADENOMATOUS INTESTINAL. Identifiers: MedGen C2713442, MONDO:0021056, OMIM 175100. Disease mechanism: loss of function.

Submission:

Labcorp Genetics (formerly Invitae), Labcorp
Classification: Uncertain significance for Familial adenomatous polyposis 1. Last evaluated: 2025-09-21. Review status: criteria provided, single submitter. Criteria: Invitae Variant Classification Sherloc (09022015). Collection method: clinical testing. Allele origin: germline.
Comment: This variant occurs in a non-coding region of the APC gene. It does not change the encoded amino acid sequence of the APC protein. This variant is not present in population databases (gnomAD no frequency). This variant has not been reported in the literature in individuals affected with APC-related conditions. Experimental studies and prediction algorithms are not available or were not evaluated, and the functional significance of this variant is currently unknown. In summary, the available evidence is currently insufficient to determine the role of this variant in disease. Therefore, it has been classified as a Variant of Uncertain Significance.

NM_001127511.3(APC):c.153G>A (p.Ala51=)

Gene: APC (APC regulator of Wnt signaling pathway; plus strand). Cytogenetic location: 5q22.2.
Variant type: single nucleotide variant.
Coding change: c.153G>A on transcript NM_001127511.3; coding-DNA position 153, G replaced by A.
Protein change: p.Ala51=; no amino-acid change (alanine 51 retained).
Molecular consequence: synonymous variant. On other transcripts: 5 prime UTR variant (8), non-coding transcript variant (1), intron variant (5).
Genome position (GRCh38, 1-based): chr5:112,707,870, G>A. VCF-style: chr5-112707870-G-A. GRCh37 (hg19) VCF-style: chr5-112043567-G-A.
Other names: c.-31G>A (NM_001354895.2, NM_001407447.1, NM_001407452.1 and 3 more transcripts); c.153G>A, p.Ala51= (NM_001354897.2, NM_001354902.2, NM_001407446.1); c.-1066G>A (NM_001407470.1, NM_001407472.1); c.-19+221G>A (NM_001407448.1, NM_001407450.1, NM_001407457.1 and 1 more transcripts); c.-43+221G>A (NM_001407453.1).
Identifiers: ClinVar variation 1367207 (VCV001367207.6), dbSNP rs1750617341, ClinGen allele CA2573138805.